The following is an entry in ClinVar:

ClinVar aggregate classification (germline): Likely benign. Review status: criteria provided, multiple submitters, no conflicts (2 of 4 stars). 2 submissions from 2 submitters: Likely benign (2). Last evaluated 2024-10-19.

Conditions:
Joubert syndrome. Also called: JOUBERT-BOLTSHAUSER SYNDROME; Familial aplasia of the vermis. Identifiers: Orphanet 475, MedGen C5979921, MONDO:0018772.
Meckel-Gruber syndrome. Also called: GRUBER SYNDROME; DYSENCEPHALIA SPLANCHNOCYSTICA; Dysencephalia splachnocystica. Identifiers: Orphanet 564, MedGen C0265215, MONDO:0018921.
TMEM67-related disorder. Also called: TMEM67-related disorders; TMEM67-related condition. Identifiers: MedGen CN239423.

Allele frequency attached by ClinVar (database versions not stated): ExAC 0.00002; gnomAD 0.00002; TOPMed 0.00002; gnomAD exomes 0.00001.
gnomAD v4.1: 12 of 1,613,352 alleles (0.00074%); highest among the groups gnomAD compares: South Asian, 0.0022%; no homozygotes.

Submissions (2):

PreventionGenetics, part of Exact Sciences
Classification: Likely benign for TMEM67-related condition. Last evaluated: 2024-10-19. Review status: criteria provided, single submitter. Criteria: ACMG Guidelines, 2015. Collection method: clinical testing. Allele origin: germline.
Comment: This variant is classified as likely benign based on ACMG/AMP sequence variant interpretation guidelines (Richards et al. 2015 PMID: 25741868, with internal and published modifications).

Labcorp Genetics (formerly Invitae), Labcorp
Classification: Likely benign for Joubert syndrome; Meckel-Gruber syndrome. Last evaluated: 2024-02-04. Review status: criteria provided, single submitter. Criteria: Invitae Variant Classification Sherloc (09022015). Collection method: clinical testing. Allele origin: germline.

NM_153704.6(TMEM67):c.1836T>C (p.Tyr612=)

Gene: TMEM67 (transmembrane protein 67; plus strand). Cytogenetic location: 8q22.1.
Variant type: single nucleotide variant.
Coding change: c.1836T>C on transcript NM_153704.6 (MANE Select); coding-DNA position 1836, T replaced by C.
Protein change: p.Tyr612=; no amino-acid change (tyrosine 612 retained).
Molecular consequence: synonymous variant. On other transcripts: non-coding transcript variant (1).
Genome position (GRCh38, 1-based): chr8:93,795,963, T>C. VCF-style: chr8-93795963-T-C. GRCh37 (hg19) VCF-style: chr8-94808191-T-C.
Other names: c.1593T>C, p.Tyr531= (NM_001142301.1); c.1836T>C (NM_153704.5).
Identifiers: ClinVar variation 1617700 (VCV001617700.9), dbSNP rs767820112, ClinGen allele CA4808116.